The following is an entry in ClinVar:

NM_001099402.2(CCNK):c.1242G>A (p.Pro414=)

Genes: CCDC85C (coiled-coil domain containing 85C; minus strand), CCNK (cyclin K; plus strand). Cytogenetic location: 14q32.2.
Variant type: single nucleotide variant.
Coding change: c.1242G>A on transcript NM_001099402.2 (MANE Select); coding-DNA position 1242, G replaced by A.
Protein change: p.Pro414=; no amino-acid change (proline 414 retained).
Molecular consequence: synonymous variant. On other transcripts: 3 prime UTR variant (1).
Genome position (GRCh38, 1-based): chr14:99,510,281, G>A. VCF-style: chr14-99510281-G-A. GRCh37 (hg19) VCF-style: chr14-99976618-G-A.
Other names: c.*4965C>T (NM_001144995.2).
Identifiers: ClinVar variation 3049684 (VCV003049684.3), dbSNP rs373188208, ClinGen allele CA7340846.

ClinVar aggregate classification (germline): Likely benign. Review status: criteria provided, single submitter (1 of 4 stars). 2 submissions from 2 submitters: Likely benign (1). 1 of the submissions does not count toward it. Last evaluated 2024-11-25.

Conditions:
CCNK-related disorder. Also called: CCNK-related condition.

Allele frequency attached by ClinVar (database versions not stated): ESP Exome Variant Server 0.00017; ExAC 0.00049; gnomAD 0.00136.

Submissions (2):

Blueprint Genetics
Classification: Likely benign. Last evaluated: 2024-11-25. Review status: criteria provided, single submitter. Criteria: ACMG Guidelines, 2015. Collection method: clinical testing. Allele origin: germline.

PreventionGenetics, part of Exact Sciences
Classification: Likely benign for CCNK-related condition. Last evaluated: 2024-03-27. Review status: no assertion criteria provided. Collection method: clinical testing. Allele origin: germline. Not counted in ClinVar's aggregate classification.
Comment: This variant is classified as likely benign based on ACMG/AMP sequence variant interpretation guidelines (Richards et al. 2015 PMID: 25741868, with internal and published modifications).